The following is an entry in ClinVar:

ClinVar aggregate classification (germline): Likely benign. Review status: reviewed by expert panel (3 of 4 stars). 2 submissions from 2 submitters: Likely benign (1). 1 of the submissions does not count toward it. Last evaluated 2026-05-19.

Conditions:
PIK3R1-related immunodeficiency and SHORT syndrome. Identifiers: MedGen CN379774, MONDO:1060136.
SHORT syndrome. Also called: SHORT STATURE, HYPEREXTENSIBILITY, HERNIA, OCULAR DEPRESSION, RIEGER ANOMALY, AND TEETHING DELAY; LIPODYSTROPHY, PARTIAL, WITH RIEGER ANOMALY AND SHORT STATURE; PIK3R1-Related SHORT Syndrome. Identifiers: Orphanet 3163, MedGen C0878684, MONDO:0010026, OMIM 269880.
Agammaglobulinemia 7, autosomal recessive (AGM7). Also called: AGAMMAGLOBULINEMIA, AUTOSOMAL RECESSIVE, DUE TO PIK3R1 DEFECT. Identifiers: MedGen C3554689, MONDO:0014083, OMIM 615214.
Immunodeficiency 36 with lymphoproliferation. Also called: Immunodeficiency 36; Activated PI3K Delta Syndrome Type 2 (APDS2); ACTIVATED PI3K-DELTA SYNDROME 2. Identifiers: Orphanet 397596, Orphanet 693681, MedGen C4014934, MONDO:0014453, OMIM 616005.

Allele frequency attached by ClinVar (database versions not stated): 1000 Genomes Project 30x 0.00062; gnomAD exomes 0.00001; gnomAD 0.00003; TOPMed 0.00003; ExAC 0.00008; 1000 Genomes Project 0.00060.
gnomAD v4.1: 17 of 1,613,630 alleles (0.0011%); highest among the groups gnomAD compares: East Asian, 0.033%; no homozygotes.

Submissions (2):

ClinGen Primary Immune Regulatory Disorders Variant Curation Expert Panel, ClinGen
Classification: Likely benign for PIK3R1-related immunodeficiency and SHORT syndrome. Last evaluated: 2026-05-19. Review status: reviewed by expert panel. Criteria: ClinGen AbDef ACMG Specifications PIK3R1 V1.0.0. Collection method: curation. Allele origin: germline. Inheritance: Autosomal dominant inheritance.
Comment: NM_181523.3(PIK3R1):c.953C>T (p.Ala318Val) is a missense variant causing substitution of alanine by valine at amino acid 318. This variant is present in gnomAD v4.1.0 at a total allele frequency of 0.00001054, with 17 alleles / 1,613,630 total alleles across all populations of gnomAD, which is higher than the ClinGen Antibody Deficiencies PM2_Supporting threshold of <0.00000132. This variant is present in gnomAD v4.1.0 at a GrpMax allele frequency of 0.0002058, with 15 alleles / 44,872 total alleles in the East Asian population, which is lower than the ClinGen Antibody Deficiencies VCEP BS1 threshold of >0.000316, so no population code is met. The computational predictor REVEL gives a score of 0.112, which is below the ClinGen Antibody Deficiencies VCEP threshold of <0.290 and predicts a non-damaging effect on PIK3R1 function. The computational predictor CADD gives a PHRED score of 18.40, which is below the ClinGen Antibody Deficiencies VCEP threshold of <21.5 and predicts a non-deleterious effect on PIK3R1 function. The two predictors agree on a non-damaging effect. Additionally, the splicing impact predictor SpliceAI gives a delta score of 0.02 for donor loss, which is below the ClinGen Antibody Deficiencies VCEP recommended threshold of <0.1 and does not predict an impact on splicing (BP4). No cases of the variant segregating in PIK3R1-related immunodeficiency and SHORT syndrome were found in the literature. In summary, this variant meets the criteria to be classified as likely benign for autosomal dominant PIK3R1-related immunodeficiency and SHORT syndrome based on the ACMG/AMP criteria applied, as specified by the ClinGen Antibody Deficiencies VCEP: BP4. (VCEP specifications version 1.0.0; date of approval 04/29/2026).

Labcorp Genetics (formerly Invitae), Labcorp
Classification: Likely benign for SHORT syndrome; Immunodeficiency 36 with lymphoproliferation; Agammaglobulinemia 7, autosomal recessive. Last evaluated: 2025-11-27. Review status: criteria provided, single submitter. Criteria: Invitae Variant Classification Sherloc (09022015). Collection method: clinical testing. Allele origin: germline. Not counted in ClinVar's aggregate classification.

NM_181523.3(PIK3R1):c.953C>T (p.Ala318Val)

Gene: PIK3R1 (phosphoinositide-3-kinase regulatory subunit 1; plus strand). Cytogenetic location: 5q13.1.
Variant type: single nucleotide variant.
Coding change: c.953C>T on transcript NM_181523.3 (MANE Select); coding-DNA position 953, C replaced by T.
Protein change: p.Ala318Val; replaces alanine 318 with valine.
Molecular consequence: missense variant.
Genome position (GRCh38, 1-based): chr5:68,292,295, C>T. VCF-style: chr5-68292295-C-T. GRCh37 (hg19) VCF-style: chr5-67588123-C-T.
Other names: NM_181523.3(PIK3R1):c.953C>T; p.Ala318Val; c.143C>T, p.Ala48Val (NM_181504.4); c.53C>T, p.Ala18Val (NM_181524.2); short protein forms A318V, A48V, A18V.
Identifiers: ClinVar variation 1964279 (VCV001964279.6), dbSNP rs200276601, ClinGen allele CA3290258.